The following is an entry in ClinVar:

NM_138576.4(BCL11B):c.1762G>A (p.Ala588Thr)

Gene: BCL11B (BCL11 transcription factor B; minus strand). Cytogenetic location: 14q32.2.
Variant type: single nucleotide variant.
Coding change: c.1762G>A on transcript NM_138576.4 (MANE Select); coding-DNA position 1762, G replaced by A.
Protein change: p.Ala588Thr; replaces alanine 588 with threonine.
Molecular consequence: missense variant.
Genome position (GRCh38, 1-based): chr14:99,175,074, C>T on the plus strand (G>A on the coding strand, the complement: BCL11B is on the minus strand). VCF-style: chr14-99175074-C-T. GRCh37 (hg19) VCF-style: chr14-99641411-C-T.
Other names: c.1759G>A, p.Ala587Thr (NM_001282237.2); c.1546G>A, p.Ala516Thr (NM_001282238.2); c.1549G>A, p.Ala517Thr (NM_022898.3); short protein forms A517T, A516T, A588T, A587T.
Identifiers: ClinVar variation 3694886 (VCV003694886.2).

ClinVar aggregate classification (germline): Uncertain significance (1 of 4 stars; one submission).

gnomAD v4.1: 4 of 1,600,660 alleles (0.00025%); highest among the groups gnomAD compares: Non-Finnish European, 0.00034%; no homozygotes.

Submission:

Labcorp Genetics (formerly Invitae), Labcorp
Classification: Uncertain significance. Last evaluated: 2024-12-14. Review status: criteria provided, single submitter. Criteria: Invitae Variant Classification Sherloc (09022015). Collection method: clinical testing. Allele origin: germline.
Comment: This sequence change replaces alanine, which is neutral and non-polar, with threonine, which is neutral and polar, at codon 588 of the BCL11B protein (p.Ala588Thr). This variant is not present in population databases (gnomAD no frequency). This variant has not been reported in the literature in individuals affected with BCL11B-related conditions. Invitae Evidence Modeling of protein sequence and biophysical properties (such as structural, functional, and spatial information, amino acid conservation, physicochemical variation, residue mobility, and thermodynamic stability) indicates that this missense variant is not expected to disrupt BCL11B protein function with a negative predictive value of 95%. In summary, the available evidence is currently insufficient to determine the role of this variant in disease. Therefore, it has been classified as a Variant of Uncertain Significance.